The following is an entry in ClinVar:

NM_022168.4(IFIH1):c.1766-11dup

Gene: IFIH1 (interferon induced with helicase C domain 1; minus strand). Cytogenetic location: 2q24.2.
Variant type: Duplication.
Coding change: c.1766-11dup on transcript NM_022168.4 (MANE Select); 11 bases into the intron before coding-DNA position 1766, one base duplicated (T; older notation c.1766-11dupT).
Molecular consequence: intron variant.
Genome position (GRCh38, 1-based): chr2:162,277,699, A duplicated on the plus strand (T on the coding strand, the reverse complement: IFIH1 is on the minus strand); the first of 6 consecutive A bases (chr2:162,277,699-162,277,704); duplicating any one gives the same sequence. VCF-style (leftmost placement, unchanged base first): chr2-162277698-G-GA. GRCh37 (hg19) VCF-style: chr2-163134208-G-GA.
Other names: c.1766-6dupT (NM_022168.3).
Identifiers: ClinVar variation 779784 (VCV000779784.13), dbSNP rs548261817, ClinGen allele CA1934398.

ClinVar aggregate classification (germline): Likely benign. Review status: criteria provided, multiple submitters, no conflicts (2 of 4 stars). 3 submissions from 3 submitters: Likely benign (2). 1 of the submissions does not count toward it. Last evaluated 2026-01-21.

Conditions:
IFIH1-related disorder. Also called: IFIH1-related condition.
Aicardi-Goutieres syndrome 7 (AGS7). Identifiers: Orphanet 51, MedGen C3888244, MONDO:0014367, OMIM 615846.
Singleton-Merten syndrome 1 (SGMRT1). Also called: Widened medullary cavities of bone, aortic calcification, abnormal dentition, and muscular weakness; Syndrome of widened medullary cavities of the metacarpals and phalanges, aortic calcification and abnormal dentition. Identifiers: Orphanet 85191, MedGen C4225427, MONDO:0024535, OMIM 182250.

Submissions (3):

Labcorp Genetics (formerly Invitae), Labcorp
Classification: Likely benign for Aicardi-Goutieres syndrome 7; Singleton-Merten syndrome 1. Last evaluated: 2026-01-21. Review status: criteria provided, single submitter. Criteria: Invitae Variant Classification Sherloc (09022015). Collection method: clinical testing. Allele origin: germline.

Blueprint Genetics
Classification: Likely benign. Last evaluated: 2023-10-04. Review status: criteria provided, single submitter. Criteria: ACMG Guidelines, 2015. Collection method: clinical testing. Allele origin: germline.

PreventionGenetics, part of Exact Sciences
Classification: Likely benign for IFIH1-related condition. Last evaluated: 2020-04-20. Review status: no assertion criteria provided. Collection method: clinical testing. Allele origin: germline. Not counted in ClinVar's aggregate classification.
Comment: This variant is classified as likely benign based on ACMG/AMP sequence variant interpretation guidelines (Richards et al. 2015 PMID: 25741868, with internal and published modifications).